The following is an entry in ClinVar:

NM_001166108.2(PALLD):c.2549C>A (p.Thr850Asn)

Genes: CBR4 (carbonyl reductase 4; minus strand), PALLD (palladin, cytoskeletal associated protein; plus strand). Cytogenetic location: 4q32.3.
Variant type: single nucleotide variant.
Coding change: c.2549C>A on transcript NM_001166108.2 (MANE Select); coding-DNA position 2549, C replaced by A.
Protein change: p.Thr850Asn; replaces threonine 850 with asparagine.
Molecular consequence: missense variant.
Genome position (GRCh38, 1-based): chr4:168,903,833, C>A. VCF-style: chr4-168903833-C-A. GRCh37 (hg19) VCF-style: chr4-169824984-C-A.
Other names: c.1352C>A, p.Thr451Asn (NM_001166109.2); c.1037C>A, p.Thr346Asn (NM_001166110.2); c.377C>A, p.Thr126Asn (NM_001367567.1, NM_001367569.1); c.428C>A, p.Thr143Asn (NM_001367568.1, NM_001367570.1); c.2498C>A, p.Thr833Asn (NM_016081.4); short protein forms T126N, T143N, T346N, T451N, T833N, T850N.
Identifiers: ClinVar variation 1000574 (VCV001000574.11), dbSNP rs1380474191, ClinGen allele CA358799405.
Genomic context (GRCh38, chr4:168,903,833, plus strand): 5'-ATGGGAAGCAGATCTCTCCAAAGAGTGATCACTACACCATTCAAAGAGATCTCGATGGGA[C>A]CTGCTCCCTCCATACCACAGCCTCCACCCTAGATGATGATGGGAATTATACAATTATGGC-3'
Protein context (NP_001159580.1, residues 840-860): HYTIQRDLDG[Thr850Asn]CSLHTTASTL

ClinVar aggregate classification (germline): Uncertain significance. Review status: criteria provided, multiple submitters, no conflicts (2 of 4 stars). 2 submissions from 2 submitters: Uncertain significance (2). Last evaluated 2021-09-20.

Conditions:
Pancreatic adenocarcinoma. Identifiers: MedGen C0281361, MONDO:0006047, HP:0006725.

Allele frequency attached by ClinVar (database versions not stated): TOPMed below 0.00001; gnomAD exomes 0.00002.
gnomAD v4.1: 14 of 1,612,324 alleles (0.00087%); highest among the groups gnomAD compares: Non-Finnish European, 0.0012%; no homozygotes.

Submissions (2):

Ambry Genetics
Classification: Uncertain significance. Last evaluated: 2021-09-20. Review status: criteria provided, single submitter. Criteria: Ambry Variant Classification Scheme 2023. Collection method: clinical testing. Allele origin: germline.
Comment: The p.T833N variant (also known as c.2498C>A), located in coding exon 13 of the PALLD gene, results from a C to A substitution at nucleotide position 2498. The threonine at codon 833 is replaced by asparagine, an amino acid with similar properties. This amino acid position is conserved. In addition, this alteration is predicted to be tolerated by in silico analysis. Since supporting evidence is limited at this time, the clinical significance of this alteration remains unclear.

Labcorp Genetics (formerly Invitae), Labcorp
Classification: Uncertain significance for Pancreatic adenocarcinoma. Last evaluated: 2020-03-01. Review status: criteria provided, single submitter. Criteria: Invitae Variant Classification Sherloc (09022015). Collection method: clinical testing. Allele origin: germline.
Comment: This sequence change replaces threonine with asparagine at codon 346 of the PALLD protein (p.Thr346Asn). The threonine residue is highly conserved and there is a small physicochemical difference between threonine and asparagine. This variant is not present in population databases (ExAC no frequency). This variant has not been reported in the literature in individuals with PALLD-related conditions. Algorithms developed to predict the effect of missense changes on protein structure and function (SIFT, PolyPhen-2, Align-GVGD) all suggest that this variant is likely to be disruptive, but these predictions have not been confirmed by published functional studies and their clinical significance is uncertain. In summary, the available evidence is currently insufficient to determine the role of this variant in disease. Therefore, it has been classified as a Variant of Uncertain Significance.